The following is an entry in ClinVar:

ClinVar aggregate classification (germline): Likely benign (1 of 4 stars; one submission).

Allele frequency attached by ClinVar (database versions not stated): TOPMed 0.01883; gnomAD 0.01935 and 0.02170; 1000 Genomes Project 0.02636; 1000 Genomes Project 30x 0.02483.
gnomAD v4.1: 3,360 of 152,238 alleles (2.2%); highest among the groups gnomAD compares: South Asian, 9.9%; 69 homozygotes.

Submission:

GeneDx
Classification: Likely benign. Last evaluated: 2018-06-14. Review status: criteria provided, single submitter. Criteria: GeneDx Variant Classification (06012015). Collection method: clinical testing. Allele origin: germline. Affected: yes.
Comment: This variant is considered likely benign or benign based on one or more of the following criteria: it is a conservative change, it occurs at a poorly conserved position in the protein, it is predicted to be benign by multiple in silico algorithms, and/or has population frequency not consistent with disease.

NM_000258.2(MYL3):c.-377G>A

Gene: MYL3 (myosin light chain 3; minus strand). Cytogenetic location: 3p21.31.
Variant type: single nucleotide variant.
Coding change: c.-377G>A on transcript NM_000258.2; 377 bases upstream of the start codon, G replaced by A.
Molecular consequence: intron variant (on NM_001406939.1).
Genome position (GRCh38, 1-based): chr3:46,863,767, C>T on the plus strand (G>A on the coding strand, the complement: MYL3 is on the minus strand). VCF-style: chr3-46863767-C-T. GRCh37 (hg19) VCF-style: chr3-46905257-C-T.
Other names: c.-6-371G>A (NM_001406939.1, NM_001406938.1).
Identifiers: ClinVar variation 680930 (VCV000680930.3), dbSNP rs2233263, ClinGen allele CA73782559.